The following is an entry in ClinVar:

NM_001037.5(SCN1B):c.150C>A (p.Asn50Lys)

Gene: SCN1B (sodium voltage-gated channel beta subunit 1; plus strand). Cytogenetic location: 19q13.11.
Variant type: single nucleotide variant.
Coding change: c.150C>A on transcript NM_001037.5 (MANE Select); coding-DNA position 150, C replaced by A.
Protein change: p.Asn50Lys; replaces asparagine 50 with lysine.
Molecular consequence: missense variant.
Genome position (GRCh38, 1-based): chr19:35,032,637, C>A. VCF-style: chr19-35032637-C-A. GRCh37 (hg19) VCF-style: chr19-35523541-C-A.
Other names: c.51C>A, p.Asn17Lys (NM_001321605.2); c.150C>A, p.Asn50Lys (NM_199037.5); short protein forms N50K, N17K.
Identifiers: ClinVar variation 4726012 (VCV004726012.1).

ClinVar aggregate classification (germline): Uncertain significance (1 of 4 stars; one submission).

Conditions:
Brugada syndrome 5 (BRGDA5). Identifiers: Orphanet 130, Orphanet 871, MedGen C2748541, MONDO:0013015, OMIM 612838.

Submission:

Labcorp Genetics (formerly Invitae), Labcorp
Classification: Uncertain significance for Brugada syndrome 5. Last evaluated: 2025-08-29. Review status: criteria provided, single submitter. Criteria: Invitae Variant Classification Sherloc (09022015). Collection method: clinical testing. Allele origin: germline.
Comment: This sequence change replaces asparagine, which is neutral and polar, with lysine, which is basic and polar, at codon 50 of the SCN1B protein (p.Asn50Lys). This variant is not present in population databases (gnomAD no frequency). This variant has not been reported in the literature in individuals affected with SCN1B-related conditions. An algorithm developed to predict the effect of missense changes on protein structure and function (PolyPhen-2) suggests that this variant is likely to be tolerated. In summary, the available evidence is currently insufficient to determine the role of this variant in disease. Therefore, it has been classified as a Variant of Uncertain Significance.